The following is an entry in ClinVar:

NM_001197104.2(KMT2A):c.9727C>T (p.Pro3243Ser)

Gene: KMT2A (lysine methyltransferase 2A; plus strand). Cytogenetic location: 11q23.3.
Variant type: single nucleotide variant.
Coding change: c.9727C>T on transcript NM_001197104.2 (MANE Select); coding-DNA position 9727, C replaced by T.
Protein change: p.Pro3243Ser; replaces proline 3243 with serine.
Molecular consequence: missense variant.
Genome position (GRCh38, 1-based): chr11:118,505,619, C>T. VCF-style: chr11-118505619-C-T. GRCh37 (hg19) VCF-style: chr11-118376334-C-T.
Other names: c.9817C>T, p.Pro3273Ser (NM_001412597.1); c.9718C>T, p.Pro3240Ser (NM_005933.4); short protein forms P3273S, P3240S, P3243S.
Identifiers: ClinVar variation 2761618 (VCV002761618.3), dbSNP rs2134407527, ClinGen allele CA382821513.

ClinVar aggregate classification (germline): Uncertain significance (1 of 4 stars; one submission).

gnomAD v4.1: 2 of 1,614,138 alleles (0.00012%); highest among the groups gnomAD compares: Non-Finnish European, 0.00017%; no homozygotes.

Submission:

Labcorp Genetics (formerly Invitae), Labcorp
Classification: Uncertain significance. Last evaluated: 2023-10-30. Review status: criteria provided, single submitter. Criteria: Invitae Variant Classification Sherloc (09022015). Collection method: clinical testing. Allele origin: germline.
Comment: This sequence change replaces proline, which is neutral and non-polar, with serine, which is neutral and polar, at codon 3243 of the KMT2A protein (p.Pro3243Ser). This variant is not present in population databases (gnomAD no frequency). This variant has not been reported in the literature in individuals affected with KMT2A-related conditions. Advanced modeling of protein sequence and biophysical properties (such as structural, functional, and spatial information, amino acid conservation, physicochemical variation, residue mobility, and thermodynamic stability) performed at Invitae indicates that this missense variant is not expected to disrupt KMT2A protein function with a negative predictive value of 95%. In summary, the available evidence is currently insufficient to determine the role of this variant in disease. Therefore, it has been classified as a Variant of Uncertain Significance.